The following is an entry in ClinVar:

NM_000138.5(FBN1):c.1454G>T (p.Arg485Leu)

Gene: FBN1 (fibrillin 1; minus strand). Cytogenetic location: 15q21.1.
Variant type: single nucleotide variant.
Coding change: c.1454G>T on transcript NM_000138.5 (MANE Select); coding-DNA position 1454, G replaced by T.
Protein change: p.Arg485Leu; replaces arginine 485 with leucine.
Molecular consequence: missense variant.
Genome position (GRCh38, 1-based): chr15:48,515,401, C>A on the plus strand (G>T on the coding strand, the complement: FBN1 is on the minus strand). VCF-style: chr15-48515401-C-A. GRCh37 (hg19) VCF-style: chr15-48807598-C-A.
Other names: p.R485L:CGT>CTT; short protein forms R485L.
Identifiers: ClinVar variation 199968 (VCV000199968.12), dbSNP rs371985966, ClinGen allele CA012170.

ClinVar aggregate classification (germline): Uncertain significance. Review status: criteria provided, multiple submitters, no conflicts (2 of 4 stars). 4 submissions from 4 submitters: Uncertain significance (4). Last evaluated 2025-09-22.

Conditions:
Marfan syndrome (MFS). Also called: Marfan syndrome, classic; FBN1-Related Marfan Syndrome; Marfan syndrome type 1; Marfan's syndrome; MARFAN SYNDROME, TYPE I. Identifiers: Orphanet 284963, Orphanet 558, MedGen C0024796, MONDO:0007947, OMIM 154700.
Familial thoracic aortic aneurysm and aortic dissection (TAAD). Also called: Thoracic aortic aneurysms and dissections. Identifiers: Orphanet 91387, MedGen C4707243, MONDO:0019625.

Allele frequency attached by ClinVar (database versions not stated): TOPMed below 0.00001; gnomAD exomes 0.00001.
gnomAD v4.1: 2 of 1,613,958 alleles (0.00012%); highest among the groups gnomAD compares: Non-Finnish European, 0.00017%; no homozygotes.

Submissions (4):

Labcorp Genetics (formerly Invitae), Labcorp
Classification: Uncertain significance for Marfan syndrome; Familial thoracic aortic aneurysm and aortic dissection. Last evaluated: 2025-09-22. Review status: criteria provided, single submitter. Criteria: Invitae Variant Classification Sherloc (09022015). Collection method: clinical testing. Allele origin: germline.
Comment: This sequence change replaces arginine, which is basic and polar, with leucine, which is neutral and non-polar, at codon 485 of the FBN1 protein (p.Arg485Leu). This variant is present in population databases (no rsID available, gnomAD 0.002%). This missense change has been observed in individual(s) with clinical features of FBN1-related conditions (PMID: 38534782). ClinVar contains an entry for this variant (Variation ID: 199968). Invitae Evidence Modeling of protein sequence and biophysical properties (such as structural, functional, and spatial information, amino acid conservation, physicochemical variation, residue mobility, and thermodynamic stability) has been performed for this missense variant. However, the output from this modeling did not meet the statistical confidence thresholds required to predict the impact of this variant on FBN1 protein function. In summary, the available evidence is currently insufficient to determine the role of this variant in disease. Therefore, it has been classified as a Variant of Uncertain Significance.

All of Us Research Program, National Institutes of Health
Classification: Uncertain significance for Marfan syndrome. Last evaluated: 2024-08-06. Review status: criteria provided, single submitter. Criteria: ACMG Guidelines, 2015. Collection method: clinical testing. Allele origin: germline. Inheritance: Autosomal dominant inheritance. Observed: 4 variant alleles, 4 heterozygotes.
Comment: This missense variant replaces arginine with leucine at codon 485 of the FBN1 protein. Computational prediction tools and conservation analyses are inconclusive regarding the impact of this variant on protein structure and function. Splice site prediction tools suggest that this variant may not impact RNA splicing. To our knowledge, functional studies have not been performed for this variant. This variant has not been reported in individuals affected with cardiovascular disorders in the literature. This variant has been identified in 2/251150 chromosomes in the general population by the Genome Aggregation Database (gnomAD). The available evidence is insufficient to determine the role of this variant in disease conclusively. Therefore, this variant is classified as a Variant of Uncertain Significance.

This study involves interpretation of variants in research participants for the purpose of population health screening. Participant phenotype was not available at the time of variant classification. Additional details can be found in publication PMID: 35346344, PMCID: PMC8962531

Color Diagnostics, LLC DBA Color Health
Classification: Uncertain significance for Familial thoracic aortic aneurysm and aortic dissection. Last evaluated: 2024-04-23. Review status: criteria provided, single submitter. Criteria: ACMG Guidelines, 2015. Collection method: clinical testing. Allele origin: germline.
Comment: This missense variant replaces arginine with leucine at codon 485 of the FBN1 protein. Computational prediction tools indicate that this variant's impact on protein structure and function is inconclusive. To our knowledge, functional studies have not been reported for this variant. This variant has been reported in one individual affected with hypermobile Ehlers-Danlos syndrome (PMID: 38534782). This variant has been identified in 2/251150 chromosomes in the general population by the Genome Aggregation Database (gnomAD). The available evidence is insufficient to determine the role of this variant in disease conclusively. Therefore, this variant is classified as a Variant of Uncertain Significance.

GeneDx
Classification: Uncertain significance. Last evaluated: 2019-08-29. Review status: criteria provided, single submitter. Criteria: GeneDx Variant Classification Process June 2021. Collection method: clinical testing. Allele origin: germline. Affected: yes.
Comment: Has not been previously published as pathogenic or benign to our knowledge; Not observed at a significant frequency in large population cohorts (Lek et al., 2016); In silico analysis, which includes protein predictors and evolutionary conservation, supports a deleterious effect; Does not affect a cysteine residue within a calcium-binding EGF-like domain of the FBN1 gene; cysteine substitutions in the calcium-binding EGF-like domains represent the majority of pathogenic missense changes associated with FBN1-related disorders (Collod-Beroud et al., 2003)

Literature cited by the submitters: PubMed 38534782 (cited by Labcorp Genetics (formerly Invitae), Labcorp and Color Diagnostics, LLC DBA Color Health).